The following is an entry in ClinVar:

NM_005236.3(ERCC4):c.1522G>A (p.Gly508Arg)

Gene: ERCC4 (ERCC excision repair 4, endonuclease catalytic subunit; plus strand). Cytogenetic location: 16p13.12.
Variant type: single nucleotide variant.
Coding change: c.1522G>A on transcript NM_005236.3 (MANE Select); coding-DNA position 1522, G replaced by A.
Protein change: p.Gly508Arg; replaces glycine 508 with arginine.
Molecular consequence: missense variant.
Genome position (GRCh38, 1-based): chr16:13,935,454, G>A. VCF-style: chr16-13935454-G-A. GRCh37 (hg19) VCF-style: chr16-14029311-G-A.
Other names: short protein forms G508R.
Identifiers: ClinVar variation 1426076 (VCV001426076.6), dbSNP rs2141607524, ClinGen allele CA394811399.

ClinVar aggregate classification (germline): Uncertain significance (1 of 4 stars; one submission).

Conditions:
Xeroderma pigmentosum, group F (XPF). Also called: XERODERMA PIGMENTOSUM VI; XP, GROUP F; XERODERMA PIGMENTOSUM, COMPLEMENTATION GROUP F; ERCC4-Related Xeroderma Pigmentosum; XERODERMA PIGMENTOSUM, TYPE F; Xeroderma pigmentosum, type 6. Identifiers: MedGen C0268140, MONDO:0010215, OMIM 278760.
Fanconi anemia complementation group Q. Identifiers: Orphanet 84, MedGen C3808988, MONDO:0014108, OMIM 615272.
Cockayne syndrome. Identifiers: Orphanet 191, MedGen C0009207, MONDO:0016006.

Submission:

Labcorp Genetics (formerly Invitae), Labcorp
Classification: Uncertain significance for Fanconi anemia complementation group Q; Xeroderma pigmentosum, group F; Cockayne syndrome. Last evaluated: 2021-11-10. Review status: criteria provided, single submitter. Criteria: Invitae Variant Classification Sherloc (09022015). Collection method: clinical testing. Allele origin: germline.
Comment: In summary, the available evidence is currently insufficient to determine the role of this variant in disease. Therefore, it has been classified as a Variant of Uncertain Significance. This sequence change replaces glycine, which is neutral and non-polar, with arginine, which is basic and polar, at codon 508 of the ERCC4 protein (p.Gly508Arg). This variant is not present in population databases (gnomAD no frequency). This variant has not been reported in the literature in individuals affected with ERCC4-related conditions. Algorithms developed to predict the effect of missense changes on protein structure and function (SIFT, PolyPhen-2, Align-GVGD) all suggest that this variant is likely to be tolerated.